The following is an entry in ClinVar:

ClinVar aggregate classification (germline): Uncertain significance. Review status: criteria provided, multiple submitters, no conflicts (2 of 4 stars). 3 submissions from 3 submitters: Uncertain significance (2). 1 of the submissions does not count toward it. Last evaluated 2026-08-28.

Conditions:
Mucopolysaccharidosis, MPS-III-A (MPS3A). Also called: HEPARAN SULFATE SULFATASE DEFICIENCY; SANFILIPPO SYNDROME A; SULFAMIDASE DEFICIENCY; MUCOPOLYSACCHARIDOSIS, TYPE IIIA, ATTENUATED; Mucopolysaccharidosis, type IIIA; mucopolysaccharidosis type 3A. Identifiers: Orphanet 581, Orphanet 79269, MedGen C0086647, MONDO:0009655, OMIM 252900.

gnomAD v4.1: 1 of 1,611,972 alleles (0.000062%); highest among the groups gnomAD compares: Non-Finnish European, 0.000085%; no homozygotes.

Submissions (3):

Myriad Genetics, Inc.
Classification: Uncertain significance for Mucopolysaccharidosis, MPS-III-A. Last evaluated: 2026-08-28. Review status: criteria provided, single submitter. Criteria: Myriad Autosomal Dominant, Autosomal Recessive and X-Linked Classification Criteria (2023). Collection method: clinical testing. Allele origin: unknown.
Comment: NM_000199.3(SGSH):c.364G>T(G122W) is a missense variant classified as a variant of uncertain significance in the context of mucopolysaccharidosis type IIIA. G122W has not been observed in cases with relevant disease. Relevant functional assessments of this variant are not available in the literature. G122W has not been observed in referenced population frequency databases. In summary, there is insufficient evidence to classify NM_000199.3(SGSH):c.364G>T(G122W) as pathogenic or benign. Please note: this variant was assessed in the context of healthy population screening.

Women's Health and Genetics/Laboratory Corporation of America, LabCorp
Classification: Uncertain significance. Last evaluated: 2025-04-02. Review status: criteria provided, single submitter. Criteria: LabCorp Variant Classification Summary - May 2015. Collection method: clinical testing. Allele origin: germline.

Molecular Biology Laboratory, Department of Zoology, Quaid-i-azam University
Classification: Pathogenic for Mucopolysaccharidosis, MPS-III-A. Review status: no assertion criteria provided. Collection method: research. Allele origin: inherited. Inheritance: Autosomal recessive inheritance. Affected: yes. Not counted in ClinVar's aggregate classification.

NM_000199.5(SGSH):c.364G>T (p.Gly122Trp)

Gene: SGSH (N-sulfoglucosamine sulfohydrolase; minus strand). Cytogenetic location: 17q25.3.
Variant type: single nucleotide variant.
Coding change: c.364G>T on transcript NM_000199.5 (MANE Select); coding-DNA position 364, G replaced by T.
Protein change: p.Gly122Trp; replaces glycine 122 with tryptophan.
Molecular consequence: missense variant. On other transcripts: non-coding transcript variant (1).
Genome position (GRCh38, 1-based): chr17:80,214,757, C>A on the plus strand (G>T on the coding strand, the complement: SGSH is on the minus strand). VCF-style: chr17-80214757-C-A. GRCh37 (hg19) VCF-style: chr17-78188556-C-A.
Other names: c.364G>T, p.Gly122Trp (NM_001352921.3, NM_001352922.2); short protein forms G122W.
Identifiers: ClinVar variation 2572059 (VCV002572059.4), dbSNP rs761607612, ClinGen allele CA401363321.